The following is an entry in ClinVar:

ClinVar aggregate classification (germline): Uncertain significance. Review status: criteria provided, multiple submitters, no conflicts (2 of 4 stars). 2 submissions from 2 submitters: Uncertain significance (2). Last evaluated 2025-01-27.

Allele frequency attached by ClinVar (database versions not stated): ExAC 0.00001; gnomAD exomes 0.00001; TOPMed 0.00001.
gnomAD v4.1: 3 of 1,610,724 alleles (0.00019%); highest among the groups gnomAD compares: Non-Finnish European, 0.00025%; no homozygotes.

Submissions (2):

Labcorp Genetics (formerly Invitae), Labcorp
Classification: Uncertain significance. Last evaluated: 2025-01-27. Review status: criteria provided, single submitter. Criteria: Invitae Variant Classification Sherloc (09022015). Collection method: clinical testing. Allele origin: germline.
Comment: This sequence change replaces leucine, which is neutral and non-polar, with tryptophan, which is neutral and slightly polar, at codon 533 of the KIDINS220 protein (p.Leu533Trp). This variant is present in population databases (rs757246262, gnomAD 0.002%). This variant has not been reported in the literature in individuals affected with KIDINS220-related conditions. ClinVar contains an entry for this variant (Variation ID: 2504146). An algorithm developed to predict the effect of missense changes on protein structure and function (PolyPhen-2) suggests that this variant is likely to be disruptive. In summary, the available evidence is currently insufficient to determine the role of this variant in disease. Therefore, it has been classified as a Variant of Uncertain Significance.

Centre of Medical Genetics, University Hospital Muenster
Classification: Uncertain significance. Last evaluated: 2023-03-19. Review status: criteria provided, single submitter. Criteria: ACMG Guidelines, 2015. Collection method: clinical testing. Allele origin: unknown. Affected: yes. Observed: 1 variant allele, 1 heterozygote.
Comment: ACMG categories: PM1,PM2,PP3,BP1

NM_020738.4(KIDINS220):c.1598T>G (p.Leu533Trp)

Gene: KIDINS220 (kinase D interacting substrate 220; minus strand). Cytogenetic location: 2p25.1.
Variant type: single nucleotide variant.
Coding change: c.1598T>G on transcript NM_020738.4 (MANE Select); coding-DNA position 1598, T replaced by G.
Protein change: p.Leu533Trp; replaces leucine 533 with tryptophan.
Molecular consequence: missense variant. On other transcripts: non-coding transcript variant (2).
Genome position (GRCh38, 1-based): chr2:8,789,903, A>C on the plus strand (T>G on the coding strand, the complement: KIDINS220 is on the minus strand). VCF-style: chr2-8789903-A-C. GRCh37 (hg19) VCF-style: chr2-8930033-A-C.
Other names: c.1601T>G, p.Leu534Trp (NM_001348729.2, NM_001348731.2, NM_001348734.2 and 3 more transcripts); c.1598T>G, p.Leu533Trp (NM_001348732.2, NM_001348735.2, NM_001348738.2 and 3 more transcripts); c.1472T>G, p.Leu491Trp (NM_001348736.2); short protein forms L491W, L533W, L534W.
Identifiers: ClinVar variation 2504146 (VCV002504146.4), dbSNP rs757246262, ClinGen allele CA1520151.
Genomic context (GRCh38, chr2:8,789,903, plus strand): 5'-TCTCCATTTTTGAAAAAGATAAAAAGCAAAGACTTACTAAAGAATATATATAAGAGAGCC[A>C]AGAAGCTCAGTGACACTGCTATTCCAAGATTTGGGTGGACCGTGAAGGCAAACAATAAAC-3'
Protein context (NP_065789.1, residues 523-543): NLGIAVSLSF[Leu533Trp]ALLYIFFIVI